The following is an entry in ClinVar:

ClinVar aggregate classification (germline): Uncertain significance (1 of 4 stars; one submission).

gnomAD v4.1: 3 of 1,613,304 alleles (0.00019%); highest among the groups gnomAD compares: South Asian, 0.0011%; no homozygotes.

Submission:

Labcorp Genetics (formerly Invitae), Labcorp
Classification: Uncertain significance. Last evaluated: 2022-06-09. Review status: criteria provided, single submitter. Criteria: Invitae Variant Classification Sherloc (09022015). Collection method: clinical testing. Allele origin: germline.
Comment: This sequence change replaces alanine, which is neutral and non-polar, with glycine, which is neutral and non-polar, at codon 33 of the NDUFA12 protein (p.Ala33Gly). This variant is present in population databases (rs772303498, gnomAD 0.006%). In summary, the available evidence is currently insufficient to determine the role of this variant in disease. Therefore, it has been classified as a Variant of Uncertain Significance. Algorithms developed to predict the effect of missense changes on protein structure and function are either unavailable or do not agree on the potential impact of this missense change (SIFT: "Deleterious"; PolyPhen-2: "Benign"; Align-GVGD: "Class C0"). This variant has not been reported in the literature in individuals affected with NDUFA12-related conditions.

NM_018838.5(NDUFA12):c.98C>G (p.Ala33Gly)

Gene: NDUFA12 (NADH:ubiquinone oxidoreductase subunit A12; minus strand). Cytogenetic location: 12q22.
Variant type: single nucleotide variant.
Coding change: c.98C>G on transcript NM_018838.5 (MANE Select); coding-DNA position 98, C replaced by G.
Protein change: p.Ala33Gly; replaces alanine 33 with glycine.
Molecular consequence: missense variant.
Genome position (GRCh38, 1-based): chr12:95,002,810, G>C on the plus strand (C>G on the coding strand, the complement: NDUFA12 is on the minus strand). VCF-style: chr12-95002810-G-C. GRCh37 (hg19) VCF-style: chr12-95396586-G-C.
Other names: c.98C>G, p.Ala33Gly (NM_001258338.2); short protein forms A33G.
Identifiers: ClinVar variation 1506647 (VCV001506647.6), dbSNP rs772303498, ClinGen allele CA6722624.